The following is an entry in ClinVar:

NM_201384.3(PLEC):c.12379G>A (p.Glu4127Lys)

Gene: PLEC (plectin; minus strand). Cytogenetic location: 8q24.3.
Variant type: single nucleotide variant.
Coding change: c.12379G>A on transcript NM_201384.3 (MANE Select); coding-DNA position 12379, G replaced by A.
Protein change: p.Glu4127Lys; replaces glutamic acid 4127 with lysine.
Molecular consequence: missense variant.
Genome position (GRCh38, 1-based): chr8:143,917,442, C>T on the plus strand (G>A on the coding strand, the complement: PLEC is on the minus strand). VCF-style: chr8-143917442-C-T. GRCh37 (hg19) VCF-style: chr8-144991610-C-T.
Other names: c.12460G>A, p.Glu4154Lys (NM_000445.5); c.12337G>A, p.Glu4113Lys (NM_201378.4); c.12313G>A, p.Glu4105Lys (NM_201379.3); c.12790G>A, p.Glu4264Lys (NM_201380.4); c.12283G>A, p.Glu4095Lys (NM_201381.3); c.12379G>A, p.Glu4127Lys (NM_201382.4); c.12391G>A, p.Glu4131Lys (NM_201383.3); short protein forms E4105K, E4264K, E4127K, E4154K, E4113K, E4095K, E4131K.
Identifiers: ClinVar variation 1372300 (VCV001372300.8), dbSNP rs2130854010, ClinGen allele CA372482458.

ClinVar aggregate classification (germline): Uncertain significance (1 of 4 stars; one submission).

Conditions:
Epidermolysis bullosa simplex 5C, with pyloric atresia (EBS5C). Also called: PLEC-Related Epidermolysis Bullosa with Pyloric Atresia; Epidermolysis bullosa simplex with pyloric atresia; PLEC1-Related Epidermolysis Bullosa with Pyloric Atresia. Identifiers: Orphanet 158684, MedGen C2677349, MONDO:0012807, OMIM 612138.
Epidermolysis bullosa simplex 5B, with muscular dystrophy (EBS5B). Also called: EPIDERMOLYSIS BULLOSA SIMPLEX AND LIMB-GIRDLE MUSCULAR DYSTROPHY; Epidermolysis bullosa simplex with muscular dystrophy. Identifiers: Orphanet 257, MedGen C2931072, MONDO:0009181, OMIM 226670.
Epidermolysis bullosa simplex, Ogna type (EBS5A). Also called: Pidermolysis bullosa simplex 5A, Ogna type; EPIDERMOLYSIS BULLOSA SIMPLEX 5A, OGNA TYPE. Identifiers: Orphanet 79401, MedGen C0432317, MONDO:0007555, OMIM 131950.
Autosomal recessive limb-girdle muscular dystrophy type 2Q (LGMDR17). Also called: MUSCULAR DYSTROPHY, LIMB-GIRDLE, AUTOSOMAL RECESSIVE 17. Identifiers: Orphanet 254361, MedGen C3150989, MONDO:0013390, OMIM 613723.
Epidermolysis bullosa simplex with nail dystrophy (EBS5D). Identifiers: MedGen C4225309, MONDO:0014661, OMIM 616487.

Submission:

Labcorp Genetics (formerly Invitae), Labcorp
Classification: Uncertain significance for Autosomal recessive limb-girdle muscular dystrophy type 2Q; Epidermolysis bullosa simplex, Ogna type; Epidermolysis bullosa simplex with nail dystrophy; Epidermolysis bullosa simplex 5C, with pyloric atresia; Epidermolysis bullosa simplex 5B, with muscular dystrophy. Last evaluated: 2021-05-30. Review status: criteria provided, single submitter. Criteria: Invitae Variant Classification Sherloc (09022015). Collection method: clinical testing. Allele origin: germline.
Comment: This variant is not present in population databases (ExAC no frequency). In summary, the available evidence is currently insufficient to determine the role of this variant in disease. Therefore, it has been classified as a Variant of Uncertain Significance. Algorithms developed to predict the effect of missense changes on protein structure and function (SIFT, PolyPhen-2, Align-GVGD) all suggest that this variant is likely to be disruptive, but these predictions have not been confirmed by published functional studies and their clinical significance is uncertain. This variant has not been reported in the literature in individuals with PLEC-related conditions. This sequence change replaces glutamic acid with lysine at codon 4154 of the PLEC protein (p.Glu4154Lys). The glutamic acid residue is highly conserved and there is a small physicochemical difference between glutamic acid and lysine.